The following is an entry in ClinVar:

NM_001278116.2(L1CAM):c.2329A>C (p.Asn777His)

Gene: L1CAM (L1 cell adhesion molecule; minus strand). Cytogenetic location: Xq28.
Variant type: single nucleotide variant.
Coding change: c.2329A>C on transcript NM_001278116.2 (MANE Select); coding-DNA position 2329, A replaced by C.
Protein change: p.Asn777His; replaces asparagine 777 with histidine.
Molecular consequence: missense variant.
Genome position (GRCh38, 1-based): chrX:153,866,751, T>G on the plus strand (A>C on the coding strand, the complement: L1CAM is on the minus strand). VCF-style: chrX-153866751-T-G. GRCh37 (hg19) VCF-style: chrX-153132206-T-G.
Other names: c.2329A>C, p.Asn777His (NM_000425.5, NM_024003.3); c.2314A>C, p.Asn772His (NM_001143963.2); short protein forms N772H, N777H.
Identifiers: ClinVar variation 2160319 (VCV002160319.1), dbSNP rs2520984872, ClinGen allele CA415120276.

ClinVar aggregate classification (germline): Uncertain significance (1 of 4 stars; one submission).

Conditions:
Spastic paraplegia. Identifiers: MedGen C0037772, HP:0001258.

Allele frequency attached by ClinVar (database versions not stated): gnomAD exomes below 0.00001.
gnomAD v4.1: 1 of 1,211,371 alleles (0.000083%); highest among the groups gnomAD compares: Non-Finnish European, 0.00011%; no homozygotes.

Submission:

Labcorp Genetics (formerly Invitae), Labcorp
Classification: Uncertain significance for Spastic paraplegia. Last evaluated: 2022-08-24. Review status: criteria provided, single submitter. Criteria: Invitae Variant Classification Sherloc (09022015). Collection method: clinical testing. Allele origin: germline.
Comment: This sequence change replaces asparagine, which is neutral and polar, with histidine, which is basic and polar, at codon 777 of the L1CAM protein (p.Asn777His). This variant is not present in population databases (gnomAD no frequency). This variant has not been reported in the literature in individuals affected with L1CAM-related conditions. Advanced modeling of protein sequence and biophysical properties (such as structural, functional, and spatial information, amino acid conservation, physicochemical variation, residue mobility, and thermodynamic stability) performed at Invitae indicates that this missense variant is not expected to disrupt L1CAM protein function. In summary, the available evidence is currently insufficient to determine the role of this variant in disease. Therefore, it has been classified as a Variant of Uncertain Significance.